The following is an entry in ClinVar:

ClinVar aggregate classification (germline): Uncertain significance (1 of 4 stars; one submission).

Submission:

Labcorp Genetics (formerly Invitae), Labcorp
Classification: Uncertain significance. Last evaluated: 2021-04-02. Review status: criteria provided, single submitter. Criteria: Invitae Variant Classification Sherloc (09022015). Collection method: clinical testing. Allele origin: germline.
Comment: This variant is not present in population databases (ExAC no frequency). This sequence change creates a premature translational stop signal (p.Cys536*) in the PDE10A gene. It is expected to result in an absent or disrupted protein product. However, the current clinical and genetic evidence is not sufficient to establish whether loss-of-function variants in PDE10A cause disease. In summary, the available evidence is currently insufficient to determine the role of this variant in disease. Therefore, it has been classified as a Variant of Uncertain Significance. This variant has not been reported in the literature in individuals with PDE10A-related conditions.

NM_001385079.1(PDE10A):c.2406C>A (p.Cys802Ter)

Gene: PDE10A (phosphodiesterase 10A; minus strand). Cytogenetic location: 6q27.
Variant type: single nucleotide variant.
Coding change: c.2406C>A on transcript NM_001385079.1 (MANE Select); coding-DNA position 2406, C replaced by A.
Protein change: p.Cys802Ter; replaces cysteine 802 with a stop codon.
Molecular consequence: nonsense.
Genome position (GRCh38, 1-based): chr6:165,392,694, G>T on the plus strand (C>A on the coding strand, the complement: PDE10A is on the minus strand). VCF-style: chr6-165392694-G-T. GRCh37 (hg19) VCF-style: chr6-165806183-G-T.
Other names: c.1608C>A, p.Cys536Ter (NM_001130690.3); c.1578C>A, p.Cys526Ter (NM_006661.4); short protein forms C802*, C526*, C536*.
Identifiers: ClinVar variation 1486150 (VCV001486150.6), dbSNP rs2128215865, ClinGen allele CA366394318.